The following is an entry in ClinVar:

NC_000005.9:g.(?_13773108)_(13786393_?)del

Gene: DNAH5 (dynein axonemal heavy chain 5; minus strand). Cytogenetic location: 5p15.2.
Variant type: Deletion.
Identifiers: ClinVar variation 3246270 (VCV003246270.1).

ClinVar aggregate classification (germline): Likely pathogenic (1 of 4 stars; one submission).

Conditions:
Primary ciliary dyskinesia. Also called: Ciliary dyskinesia. Identifiers: Orphanet 244, MedGen C0008780, MONDO:0016575, HP:0012265.

Submission:

Labcorp Genetics (formerly Invitae), Labcorp
Classification: Likely pathogenic for Primary ciliary dyskinesia. Last evaluated: 2023-10-31. Review status: criteria provided, single submitter. Criteria: Invitae Variant Classification Sherloc (09022015). Collection method: clinical testing. Allele origin: unknown.
Comment: This variant results in the deletion of exons 53-55 and part of exon 52 (c.8715_9374-2019del) of the DNAH5 gene. It is expected to disrupt RNA splicing. Variants that disrupt the donor or acceptor splice site typically lead to a loss of protein function (PMID: 16199547), and loss-of-function variants in DNAH5 are known to be pathogenic (PMID: 11788826, 16627867). This variant has not been reported in the literature in individuals affected with DNAH5-related conditions. In summary, the currently available evidence indicates that the variant is pathogenic, but additional data are needed to prove that conclusively. Therefore, this variant has been classified as Likely Pathogenic.

Literature cited by the submitters: PubMed 16199547; PubMed 11788826; PubMed 16627867.